The following is an entry in ClinVar:

NM_005027.4(PIK3R2):c.329C>G (p.Thr110Arg)

Gene: PIK3R2 (phosphoinositide-3-kinase regulatory subunit 2; plus strand). Cytogenetic location: 19p13.11.
Variant type: single nucleotide variant.
Coding change: c.329C>G on transcript NM_005027.4 (MANE Select); coding-DNA position 329, C replaced by G.
Protein change: p.Thr110Arg; replaces threonine 110 with arginine.
Molecular consequence: missense variant. On other transcripts: non-coding transcript variant (2).
Genome position (GRCh38, 1-based): chr19:18,160,477, C>G. VCF-style: chr19-18160477-C-G. GRCh37 (hg19) VCF-style: chr19-18271287-C-G.
Other names: short protein forms T110R.
Identifiers: ClinVar variation 2715313 (VCV002715313.3), dbSNP rs200357667, ClinGen allele CA9306718.

ClinVar aggregate classification (germline): Uncertain significance (1 of 4 stars; one submission).

Conditions:
Megalencephaly-polymicrogyria-postaxial polydactyly-hydrocephalus syndrome. Also called: MEG-PMG-MEGACC SYNDROME; MPPH Syndrome. Identifiers: Orphanet 83473, MedGen C1863924, MONDO:0019375.

Allele frequency attached by ClinVar (database versions not stated): ExAC 0.00003; 1000 Genomes Project 30x 0.00047; 1000 Genomes Project 0.00060.
gnomAD v4.1: 7 of 1,611,286 alleles (0.00043%); highest among the groups gnomAD compares: African/African-American, 0.0093%; no homozygotes.

Submission:

Labcorp Genetics (formerly Invitae), Labcorp
Classification: Uncertain significance for Megalencephaly-polymicrogyria-postaxial polydactyly-hydrocephalus syndrome. Last evaluated: 2023-07-22. Review status: criteria provided, single submitter. Criteria: Invitae Variant Classification Sherloc (09022015). Collection method: clinical testing. Allele origin: germline.
Comment: In summary, the available evidence is currently insufficient to determine the role of this variant in disease. Therefore, it has been classified as a Variant of Uncertain Significance. Advanced modeling of protein sequence and biophysical properties (such as structural, functional, and spatial information, amino acid conservation, physicochemical variation, residue mobility, and thermodynamic stability) performed at Invitae indicates that this missense variant is not expected to disrupt PIK3R2 protein function. This variant has not been reported in the literature in individuals affected with PIK3R2-related conditions. This variant is present in population databases (rs200357667, gnomAD 0.02%). This sequence change replaces threonine, which is neutral and polar, with arginine, which is basic and polar, at codon 110 of the PIK3R2 protein (p.Thr110Arg).